The following is an entry in ClinVar:

NM_017649.5(CNNM2):c.1048A>G (p.Ile350Val)

Gene: CNNM2 (cyclin and CBS domain divalent metal cation transport mediator 2; plus strand). Cytogenetic location: 10q24.32.
Variant type: single nucleotide variant.
Coding change: c.1048A>G on transcript NM_017649.5 (MANE Select); coding-DNA position 1048, A replaced by G.
Protein change: p.Ile350Val; replaces isoleucine 350 with valine.
Molecular consequence: missense variant.
Genome position (GRCh38, 1-based): chr10:102,919,528, A>G. VCF-style: chr10-102919528-A-G. GRCh37 (hg19) VCF-style: chr10-104679285-A-G.
Other names: c.1048A>G, p.Ile350Val (NM_199076.3, NM_199077.3); short protein forms I350V.
Identifiers: ClinVar variation 2020710 (VCV002020710.4), dbSNP rs2493375901, ClinGen allele CA377959351.

ClinVar aggregate classification (germline): Uncertain significance (1 of 4 stars; one submission).

Submission:

Labcorp Genetics (formerly Invitae), Labcorp
Classification: Uncertain significance. Last evaluated: 2022-10-17. Review status: criteria provided, single submitter. Criteria: Invitae Variant Classification Sherloc (09022015). Collection method: clinical testing. Allele origin: germline.
Comment: In summary, the available evidence is currently insufficient to determine the role of this variant in disease. Therefore, it has been classified as a Variant of Uncertain Significance. Advanced modeling of protein sequence and biophysical properties (such as structural, functional, and spatial information, amino acid conservation, physicochemical variation, residue mobility, and thermodynamic stability) performed at Invitae indicates that this missense variant is not expected to disrupt CNNM2 protein function. This variant has not been reported in the literature in individuals affected with CNNM2-related conditions. This variant is not present in population databases (gnomAD no frequency). This sequence change replaces isoleucine, which is neutral and non-polar, with valine, which is neutral and non-polar, at codon 350 of the CNNM2 protein (p.Ile350Val).